The following is an entry in ClinVar:

ClinVar aggregate classification (germline): Uncertain significance (1 of 4 stars; one submission).

Conditions:
Inborn genetic diseases. Identifiers: MedGen C0950123, MeSH D030342.

Submission:

Ambry Genetics
Classification: Uncertain significance for Inborn genetic diseases. Last evaluated: 2025-10-27. Review status: criteria provided, single submitter. Criteria: Ambry Variant Classification Scheme 2023. Collection method: clinical testing. Allele origin: germline.
Comment: The p.K117N variant (also known as c.351G>C), located in coding exon 1 of the FANCM gene, results from a G to C substitution at nucleotide position 351. The lysine at codon 117 is replaced by asparagine, an amino acid with similar properties. This amino acid position is conserved. In addition, this alteration is predicted to be deleterious by in silico analysis. Based on the available evidence, the clinical significance of this variant remains unclear.

NM_020937.4(FANCM):c.351G>C (p.Lys117Asn)

Gene: FANCM (FA complementation group M; plus strand). Cytogenetic location: 14q21.2.
Variant type: single nucleotide variant.
Coding change: c.351G>C on transcript NM_020937.4 (MANE Select); coding-DNA position 351, G replaced by C.
Protein change: p.Lys117Asn; replaces lysine 117 with asparagine.
Molecular consequence: missense variant.
Genome position (GRCh38, 1-based): chr14:45,136,382, G>C. VCF-style: chr14-45136382-G-C. GRCh37 (hg19) VCF-style: chr14-45605585-G-C.
Other names: c.351G>C, p.Lys117Asn (NM_001308133.2, NM_001308134.2); short protein forms K117N.
Identifiers: ClinVar variation 4619532 (VCV004619532.1).